The following is an entry in ClinVar:

NM_001042492.3(NF1):c.4099T>C (p.Cys1367Arg)

Gene: NF1 (neurofibromin 1; plus strand). Cytogenetic location: 17q11.2.
Variant type: single nucleotide variant.
Coding change: c.4099T>C on transcript NM_001042492.3 (MANE Select); coding-DNA position 4099, T replaced by C.
Protein change: p.Cys1367Arg; replaces cysteine 1367 with arginine.
Molecular consequence: missense variant.
Genome position (GRCh38, 1-based): chr17:31,249,108, T>C. VCF-style: chr17-31249108-T-C. GRCh37 (hg19) VCF-style: chr17-29576126-T-C.
Other names: c.4099T>C, p.Cys1367Arg (NM_000267.4); short protein forms C1367R.
Identifiers: ClinVar variation 1367596 (VCV001367596.11), dbSNP rs2151451647, ClinGen allele CA398995082.
Genomic context (GRCh38, chr17:31,249,108, plus strand): 5'-TTCCATGCCATCATCAGTTCCTCCTCAGAATTCCCCCCTCAACTTCGAAGTGTGTGCCAC[T>C]GTTTATACCAGGTATGCTTACAGTTAGAGATTACCATTATTAATCTAAAGTTAAATTATG-3'
Protein context (NP_001035957.1, residues 1357-1377): FPPQLRSVCH[Cys1367Arg]LYQATCHSLL

ClinVar aggregate classification (germline): Conflicting classifications of pathogenicity. Review status: criteria provided, conflicting classifications (1 of 4 stars). 3 submissions from 3 submitters: Likely pathogenic (2); Uncertain significance (1). Last evaluated 2022-08-17.

Conditions:
Neurofibromatosis, type 1 (NF1). Also called: Peripheral type neurofibromatosis; Neurofibromatosis, type I; NEUROFIBROMATOSIS, TYPE I, SOMATIC; VON RECKLINGHAUSEN DISEASE. Identifiers: Orphanet 636, MedGen C0027831, MONDO:0018975, OMIM 162200. Disease mechanism: loss of function.
Neurofibromatosis, familial spinal (FSNF). Identifiers: Orphanet 636, MedGen C1834235, MONDO:0008078, OMIM 162210. Disease mechanism: loss of function.
Juvenile myelomonocytic leukemia (JMML). Also called: LEUKEMIA, JUVENILE MYELOMONOCYTIC, SOMATIC. Identifiers: Orphanet 86834, MedGen C0349639, MONDO:0011908, OMIM 607785, HP:0012209.
Neurofibromatosis-Noonan syndrome (NFNS). Also called: NEUROFIBROMATOSIS WITH NOONAN PHENOTYPE. Identifiers: Orphanet 638, MedGen C2931482, MONDO:0011035, OMIM 601321. Disease mechanism: loss of function.
Café-au-lait macules with pulmonary stenosis (WTSN). Also called: PULMONIC STENOSIS WITH CAFE-AU-LAIT SPOTS. Identifiers: MedGen C0553586, MONDO:0008672, OMIM 193520.

Submissions (3):

Medical Genetics, University of Parma
Classification: Likely pathogenic for Neurofibromatosis, type 1. Last evaluated: 2022-08-17. Review status: criteria provided, single submitter. Criteria: ACMG Guidelines, 2015. Collection method: clinical testing. Allele origin: germline. Inheritance: Autosomal dominant inheritance. Affected: yes.

Labcorp Genetics (formerly Invitae), Labcorp
Classification: Uncertain significance for Neurofibromatosis, type 1. Last evaluated: 2021-07-06. Review status: criteria provided, single submitter. Criteria: Invitae Variant Classification Sherloc (09022015). Collection method: clinical testing. Allele origin: germline.
Comment: This variant has not been reported in the literature in individuals affected with NF1-related conditions. In summary, the available evidence is currently insufficient to determine the role of this variant in disease. Therefore, it has been classified as a Variant of Uncertain Significance. Advanced modeling of protein sequence and biophysical properties (such as structural, functional, and spatial information, amino acid conservation, physicochemical variation, residue mobility, and thermodynamic stability) performed at Invitae indicates that this missense variant is expected to disrupt NF1 protein function. This variant is not present in population databases (ExAC no frequency). This sequence change replaces cysteine with arginine at codon 1367 of the NF1 protein (p.Cys1367Arg). The cysteine residue is moderately conserved and there is a large physicochemical difference between cysteine and arginine.

Juno Genomics, Hangzhou Juno Genomics, Inc
Classification: Likely pathogenic for Neurofibromatosis, type 1; Juvenile myelomonocytic leukemia; Neurofibromatosis, familial spinal; Neurofibromatosis-Noonan syndrome; Café-au-lait macules with pulmonary stenosis. Review status: criteria provided, single submitter. Criteria: ACMG Guidelines, 2015. Collection method: clinical testing. Allele origin: germline. Affected: yes.
Comment: Absent from controls (or at extremely low frequency if recessive) in Genome Aggregation Database, Exome Sequencing Project, 1000 Genomes Project, or Exome Aggregation Consortium.;Multiple lines of computational evidence support a deleterious effect on the gene or gene product (conservation, evolutionary, splicing impact, etc).;Missense variant in a gene that has a low rate of benign missense variation and where missense variants are a common mechanism of disease.;Assumed de novo, but without confirmation of paternity and maternity.;Patient's phenotype or family history is highly specific for a disease with a single genetic etiology.